The following is an entry in ClinVar:

NM_001909.5(CTSD):c.1071+12A>G

Gene: CTSD (cathepsin D; minus strand). Cytogenetic location: 11p15.5.
Variant type: single nucleotide variant.
Coding change: c.1071+12A>G on transcript NM_001909.5 (MANE Select); 12 bases into the intron after coding-DNA position 1071, A replaced by G.
Molecular consequence: intron variant.
Genome position (GRCh38, 1-based): chr11:1,753,791, T>C on the plus strand (A>G on the coding strand, the complement: CTSD is on the minus strand). VCF-style: chr11-1753791-T-C. GRCh37 (hg19) VCF-style: chr11-1775021-T-C.
Identifiers: ClinVar variation 137043 (VCV000137043.17), dbSNP rs113936232, ClinGen allele CA290529.
Genomic context (GRCh38, chr11:1,753,791, plus strand): 5'-CCGCTCACCTGGAGCGTGCGCCCCCTCACCGCCCGCTCACCTGGGGCGTGCGGCACCCCA[T>C]TGCCCGCTCACCTTGAGCGTGTAGTCCTCTGGGGACAGCTTGTAGCCTTTGCCTCCCAGC-3'

ClinVar aggregate classification (germline): Conflicting classifications of pathogenicity. Review status: criteria provided, conflicting classifications (1 of 4 stars). 7 submissions from 7 submitters: Uncertain significance (1); Benign (2); Likely benign (2). 2 of the submissions do not count toward it. Last evaluated 2026-01-28.

Conditions:
Neuronal ceroid lipofuscinosis. Also called: Neuronal Ceroid Lipofuscinoses. Identifiers: Orphanet 216, Orphanet 79263, MedGen C0027877, MONDO:0016295. Disease mechanism: loss of function.
Neuronal ceroid lipofuscinosis 10 (CLN10). Also called: NEURONAL CEROID LIPOFUSCINOSIS DUE TO CATHEPSIN D DEFICIENCY; CTSD-Related Neuronal Ceroid-Lipofuscinosis. Identifiers: Orphanet 228337, MedGen C1864669, MONDO:0012414, OMIM 610127.

Allele frequency attached by ClinVar (database versions not stated): ESP Exome Variant Server 0.00008; gnomAD exomes 0.00034; ExAC 0.00040; TOPMed 0.00042.
gnomAD v4.1: 415 of 1,612,396 alleles (0.026%); highest among the groups gnomAD compares: Middle Eastern, 0.17%; 1 homozygote.

Submissions (7):

Labcorp Genetics (formerly Invitae), Labcorp
Classification: Likely benign for Neuronal ceroid lipofuscinosis. Last evaluated: 2026-01-28. Review status: criteria provided, single submitter. Criteria: Invitae Variant Classification Sherloc (09022015). Collection method: clinical testing. Allele origin: germline.

Blueprint Genetics
Classification: Likely benign. Last evaluated: 2024-09-03. Review status: criteria provided, single submitter. Criteria: ACMG Guidelines, 2015. Collection method: clinical testing. Allele origin: germline.

Women's Health and Genetics/Laboratory Corporation of America, LabCorp
Classification: Benign. Last evaluated: 2023-11-03. Review status: criteria provided, single submitter. Criteria: LabCorp Variant Classification Summary - May 2015. Collection method: clinical testing. Allele origin: germline.
Comment: Variant summary: CTSD c.1071+12A>G alters a nucleotide located at a position not widely known to affect splicing. Consensus agreement among computation tools predict no significant impact on normal splicing. However, these predictions have yet to be confirmed by functional studies. The variant allele was found at a frequency of 0.00034 in 249342 control chromosomes, predominantly at a frequency of 0.00075 within the Latino subpopulation in the gnomAD database. The observed variant frequency within Latino control individuals in the gnomAD database is approximately 2 fold of the estimated maximal expected allele frequency for a pathogenic variant in CTSD causing Neuronal Ceroid-Lipofuscinosis (Batten Disease) phenotype (0.00035), strongly suggesting that the variant is a benign polymorphism found primarily in populations of Latino origin. To our knowledge, no occurrence of c.1071+12A>G in individuals affected with Neuronal Ceroid-Lipofuscinosis (Batten Disease) and no experimental evidence demonstrating its impact on protein function have been reported. Two submitters have cited clinical-significance assessments for this variant to ClinVar after 2014. One submitter classified the variant as likely benign, and one submitter classified the variant as uncertain significance. Based on the evidence outlined above, the variant was classified as benign.

Illumina Laboratory Services, Illumina
Classification: Uncertain significance for Neuronal ceroid lipofuscinosis 10. Last evaluated: 2017-04-27. Review status: criteria provided, single submitter. Criteria: ICSL Variant Classification Criteria 13 December 2019. Collection method: clinical testing. Allele origin: germline.

GeneDx
Classification: Benign. Last evaluated: 2012-05-10. Review status: criteria provided, single submitter. Criteria: GeneDx Variant Classification (06012015). Collection method: clinical testing. Allele origin: germline. Affected: yes.
Comment: This variant is considered likely benign or benign based on one or more of the following criteria: it is a conservative change, it occurs at a poorly conserved position in the protein, it is predicted to be benign by multiple in silico algorithms, and/or has population frequency not consistent with disease.

Genome Diagnostics Laboratory, Amsterdam University Medical Center
Classification: Likely benign. Review status: no assertion criteria provided. Collection method: clinical testing. Allele origin: germline. Affected: yes. Study: VKGL Data-share Consensus. Not counted in ClinVar's aggregate classification.

Genome Diagnostics Laboratory, University Medical Center Utrecht
Classification: Likely benign. Review status: no assertion criteria provided. Collection method: clinical testing. Allele origin: germline. Affected: yes. Study: VKGL Data-share Consensus. Not counted in ClinVar's aggregate classification.